The following is an entry in ClinVar:

ClinVar aggregate classification (germline): Uncertain significance (1 of 4 stars; one submission).

Conditions:
Bardet-Biedl syndrome (BBS). Identifiers: Orphanet 110, MedGen C0752166, MONDO:0015229.

Allele frequency attached by ClinVar (database versions not stated): ExAC 0.00001; gnomAD exomes 0.00001.
gnomAD v4.1: 18 of 1,614,166 alleles (0.0011%); highest among the groups gnomAD compares: South Asian, 0.0033%; no homozygotes.

Submission:

Labcorp Genetics (formerly Invitae), Labcorp
Classification: Uncertain significance for Bardet-Biedl syndrome. Last evaluated: 2022-07-18. Review status: criteria provided, single submitter. Criteria: Invitae Variant Classification Sherloc (09022015). Collection method: clinical testing. Allele origin: germline.
Comment: This variant has not been reported in the literature in individuals affected with BBS10-related conditions. This variant is present in population databases (rs763861552, gnomAD 0.003%). This sequence change replaces threonine, which is neutral and polar, with alanine, which is neutral and non-polar, at codon 514 of the BBS10 protein (p.Thr514Ala). Algorithms developed to predict the effect of missense changes on protein structure and function output the following: SIFT: "Tolerated"; PolyPhen-2: "Benign"; Align-GVGD: "Class C0". The alanine amino acid residue is found in multiple mammalian species, which suggests that this missense change does not adversely affect protein function. In summary, the available evidence is currently insufficient to determine the role of this variant in disease. Therefore, it has been classified as a Variant of Uncertain Significance. Algorithms developed to predict the effect of sequence changes on RNA splicing suggest that this variant may create or strengthen a splice site.

NM_024685.4(BBS10):c.1540A>G (p.Thr514Ala)

Gene: BBS10 (Bardet-Biedl syndrome 10; minus strand). Cytogenetic location: 12q21.2.
Variant type: single nucleotide variant.
Coding change: c.1540A>G on transcript NM_024685.4 (MANE Select); coding-DNA position 1540, A replaced by G.
Protein change: p.Thr514Ala; replaces threonine 514 with alanine.
Molecular consequence: missense variant.
Genome position (GRCh38, 1-based): chr12:76,346,445, T>C on the plus strand (A>G on the coding strand, the complement: BBS10 is on the minus strand). VCF-style: chr12-76346445-T-C. GRCh37 (hg19) VCF-style: chr12-76740225-T-C.
Other names: short protein forms T514A.
Identifiers: ClinVar variation 2069594 (VCV002069594.3), dbSNP rs763861552, ClinGen allele CA6694153.
Genomic context (GRCh38, chr12:76,346,445, plus strand): 5'-TTAGCCTGTTTCTTTCCAAAGACAAACATGTCAGCGTTTCAACTGTTTGGAATGTATCTG[T>C]TGGTGTCAGTGTGGGGGTTGAATACGGAATATATGTTTCTAATTCTACATCTGGAATTAC-3'
Protein context (NP_078961.3, residues 504-524): IPYSTPTLTP[Thr514Ala]DTFQTVETLT